The following is an entry in ClinVar:

NM_001378454.1(ALMS1):c.11164A>G (p.Ser3722Gly)

Gene: ALMS1 (ALMS1 centrosome and basal body associated protein; plus strand). Cytogenetic location: 2p13.1.
Variant type: single nucleotide variant.
Coding change: c.11164A>G on transcript NM_001378454.1 (MANE Select); coding-DNA position 11164, A replaced by G.
Protein change: p.Ser3722Gly; replaces serine 3722 with glycine.
Molecular consequence: missense variant.
Genome position (GRCh38, 1-based): chr2:73,573,041, A>G. VCF-style: chr2-73573041-A-G. GRCh37 (hg19) VCF-style: chr2-73800168-A-G.
Other names: c.11167A>G, p.Ser3723Gly (NM_015120.4); short protein forms S3722G, S3723G.
Identifiers: ClinVar variation 1449393 (VCV001449393.6), dbSNP rs2104106753, ClinGen allele CA347287746.

ClinVar aggregate classification (germline): Uncertain significance (1 of 4 stars; one submission).

Conditions:
Alstrom syndrome (ALMS). Identifiers: Orphanet 64, MedGen C0268425, MONDO:0008763, OMIM 203800.

Submission:

Labcorp Genetics (formerly Invitae), Labcorp
Classification: Uncertain significance for Alstrom syndrome. Last evaluated: 2022-07-06. Review status: criteria provided, single submitter. Criteria: Invitae Variant Classification Sherloc (09022015). Collection method: clinical testing. Allele origin: germline.
Comment: Experimental studies and prediction algorithms are not available or were not evaluated, and the functional significance of this variant is currently unknown. ClinVar contains an entry for this variant (Variation ID: 1449393). This variant has not been reported in the literature in individuals affected with ALMS1-related conditions. This variant is not present in population databases (gnomAD no frequency). This sequence change replaces serine, which is neutral and polar, with glycine, which is neutral and non-polar, at codon 3723 of the ALMS1 protein (p.Ser3723Gly). In summary, the available evidence is currently insufficient to determine the role of this variant in disease. Therefore, it has been classified as a Variant of Uncertain Significance.